The following is an entry in ClinVar:

NM_001329943.3(KIAA0586):c.2708C>A (p.Ser903Tyr)

Gene: KIAA0586 (KIAA0586; plus strand). Cytogenetic location: 14q23.1.
Variant type: single nucleotide variant.
Coding change: c.2708C>A on transcript NM_001329943.3 (MANE Select); coding-DNA position 2708, C replaced by A.
Protein change: p.Ser903Tyr; replaces serine 903 with tyrosine.
Molecular consequence: missense variant.
Genome position (GRCh38, 1-based): chr14:58,474,680, C>A. VCF-style: chr14-58474680-C-A. GRCh37 (hg19) VCF-style: chr14-58941398-C-A.
Other names: c.2867C>A, p.Ser956Tyr (NM_001244189.2); c.2663C>A, p.Ser888Tyr (NM_001244190.2); c.2453C>A, p.Ser818Tyr (NM_001244191.2, NM_001329945.2, NM_001364700.1 and 1 more transcripts); c.2576C>A, p.Ser859Tyr (NM_001244192.2); c.2288C>A, p.Ser763Tyr (NM_001244193.2); c.2708C>A, p.Ser903Tyr (NM_001329944.2, NM_001329946.2, NM_001329947.2); c.2480C>A, p.Ser827Tyr (NM_014749.5); short protein forms S763Y, S859Y, S888Y, S903Y, S956Y, S818Y, S827Y.
Identifiers: ClinVar variation 2086117 (VCV002086117.2), dbSNP rs763871252, ClinGen allele CA7205955.

ClinVar aggregate classification (germline): Uncertain significance (1 of 4 stars; one submission).

Conditions:
Short-rib thoracic dysplasia 14 with polydactyly (SRTD14). Identifiers: Orphanet 397715, MedGen C4225286, MONDO:0014688, OMIM 616546.
Joubert syndrome 23 (JBTS23). Identifiers: Orphanet 475, MedGen C4084822, MONDO:0014664, OMIM 616490.

Allele frequency attached by ClinVar (database versions not stated): TOPMed below 0.00001; gnomAD 0.00001.
gnomAD v4.1: 7 of 1,612,688 alleles (0.00043%); highest among the groups gnomAD compares: Admixed American, 0.0067%; no homozygotes.

Submission:

Labcorp Genetics (formerly Invitae), Labcorp
Classification: Uncertain significance for Joubert syndrome 23; Short-rib thoracic dysplasia 14 with polydactyly. Last evaluated: 2023-08-24. Review status: criteria provided, single submitter. Criteria: Invitae Variant Classification Sherloc (09022015). Collection method: clinical testing. Allele origin: germline.
Comment: In summary, the available evidence is currently insufficient to determine the role of this variant in disease. Therefore, it has been classified as a Variant of Uncertain Significance. Advanced modeling of protein sequence and biophysical properties (such as structural, functional, and spatial information, amino acid conservation, physicochemical variation, residue mobility, and thermodynamic stability) performed at Invitae indicates that this missense variant is expected to disrupt KIAA0586 protein function. ClinVar contains an entry for this variant (Variation ID: 2086117). This variant has not been reported in the literature in individuals affected with KIAA0586-related conditions. This variant is present in population databases (rs763871252, gnomAD 0.006%). This sequence change replaces serine, which is neutral and polar, with tyrosine, which is neutral and polar, at codon 956 of the KIAA0586 protein (p.Ser956Tyr).